The following is an entry in ClinVar:

ClinVar aggregate classification (germline): Uncertain significance. Review status: criteria provided, multiple submitters, no conflicts (2 of 4 stars). 3 submissions from 3 submitters: Uncertain significance (2). 1 of the submissions does not count toward it. Last evaluated 2024-08-30.

Conditions:
Charlevoix-Saguenay spastic ataxia (SACS). Also called: SPASTIC ATAXIA 6, AUTOSOMAL RECESSIVE; AUTOSOMAL RECESSIVE SPASTIC ATAXIA OF CHARLEVOIX-SAGUENAY; Spastic ataxia of Charlevoix-Saguenay. Identifiers: Orphanet 98, MedGen C1849140, MONDO:0010041, OMIM 270550.

Submissions (3):

Athena Diagnostics
Classification: Uncertain significance. Last evaluated: 2024-08-30. Review status: criteria provided, single submitter. Criteria: Athena Diagnostics Criteria. Collection method: clinical testing. Allele origin: unknown.

Laboratorio de Genetica e Diagnostico Molecular, Hospital Israelita Albert Einstein
Classification: Uncertain significance. Last evaluated: 2020-02-10. Review status: criteria provided, single submitter. Criteria: ACMG Guidelines, 2015. Collection method: clinical testing. Allele origin: germline. Affected: yes.
Comment: ACMG classification criteria: PM2, PM4

Counsyl
Classification: Uncertain significance for Charlevoix-Saguenay spastic ataxia. Last evaluated: 2018-01-12. Review status: no assertion criteria provided. Collection method: clinical testing. Allele origin: unknown. Not counted in ClinVar's aggregate classification.

NM_014363.6(SACS):c.2614_2619del (p.Leu872_Pro873del)

Gene: SACS (sacsin molecular chaperone; minus strand). Cytogenetic location: 13q12.12.
Variant type: Deletion.
Coding change: c.2614_2619del on transcript NM_014363.6 (MANE Select); coding-DNA positions 2614 to 2619, 6 bases deleted (TTACCA; older notation c.2614_2619delTTACCA).
Protein change: p.Leu872_Pro873del.
Molecular consequence: inframe deletion.
Genome position (GRCh38, 1-based): chr13:23,341,257-23,341,262, TGGTAA deleted on the plus strand (TTACCA on the coding strand, the reverse complement: SACS is on the minus strand); deleting any 6 consecutive bases within chr13:23,341,257-23,341,266 gives the same sequence; the c. name uses the placement nearest the transcript's 3' end. VCF-style (leftmost placement, unchanged base first): chr13-23341256-TTGGTAA-T. GRCh37 (hg19) VCF-style: chr13-23915395-TTGGTAA-T.
Other names: c.2173_2178del, p.Leu725_Pro726del (NM_001278055.2); c.2614_2619del (NM_014363.4).
Identifiers: ClinVar variation 556073 (VCV000556073.6), dbSNP rs771746381, ClinGen allele CA6911656.